The following is an entry in ClinVar:

NM_145290.4(ADGRA3):c.3226C>T (p.Pro1076Ser)

Gene: ADGRA3 (adhesion G protein-coupled receptor A3; minus strand). Cytogenetic location: 4p15.2.
Variant type: single nucleotide variant.
Coding change: c.3226C>T on transcript NM_145290.4 (MANE Select); coding-DNA position 3226, C replaced by T.
Protein change: p.Pro1076Ser; replaces proline 1076 with serine.
Molecular consequence: missense variant.
Genome position (GRCh38, 1-based): chr4:22,388,445, G>A on the plus strand (C>T on the coding strand, the complement: ADGRA3 is on the minus strand). VCF-style: chr4-22388445-G-A. GRCh37 (hg19) VCF-style: chr4-22390068-G-A.
Other names: c.3226C>T (NM_145290.2); short protein forms P1076S.
Identifiers: ClinVar variation 864455 (VCV000864455.11), dbSNP rs142747862, ClinGen allele CA2873415.

ClinVar aggregate classification (germline): Uncertain significance. Review status: criteria provided, multiple submitters, no conflicts (2 of 4 stars). 2 submissions from 2 submitters: Uncertain significance (2). Last evaluated 2026-01-21.

Allele frequency attached by ClinVar (database versions not stated): gnomAD exomes 0.00005 and 0.00016; ExAC 0.00021; gnomAD 0.00045 and 0.00049; TOPMed 0.00053; ESP Exome Variant Server 0.00077; 1000 Genomes Project 30x 0.00094; 1000 Genomes Project 0.00100.
gnomAD v4.1: 147 of 1,614,050 alleles (0.0091%); highest among the groups gnomAD compares: African/African-American, 0.17%; no homozygotes.

Submissions (2):

Labcorp Genetics (formerly Invitae), Labcorp
Classification: Uncertain significance. Last evaluated: 2026-01-21. Review status: criteria provided, single submitter. Criteria: Invitae Variant Classification Sherloc (09022015). Collection method: clinical testing. Allele origin: germline.
Comment: This sequence change replaces proline, which is neutral and non-polar, with serine, which is neutral and polar, at codon 1076 of the ADGRA3 protein (p.Pro1076Ser). This variant is present in population databases (rs142747862, gnomAD 0.2%), and has an allele count higher than expected for a pathogenic variant. This variant has not been reported in the literature in individuals affected with ADGRA3-related conditions. ClinVar contains an entry for this variant (Variation ID: 864455). An algorithm developed to predict the effect of missense changes on protein structure and function (PolyPhen-2) suggests that this variant is likely to be tolerated. In summary, the available evidence is currently insufficient to determine the role of this variant in disease. Therefore, it has been classified as a Variant of Uncertain Significance.

Ambry Genetics
Classification: Uncertain significance. Last evaluated: 2025-08-21. Review status: criteria provided, single submitter. Criteria: Ambry Variant Classification Scheme 2023. Collection method: clinical testing. Allele origin: germline.